The following is an entry in ClinVar:

NM_003200.5(TCF3):c.1731A>G (p.Gln577=)

Gene: TCF3 (transcription factor 3; minus strand). Cytogenetic location: 19p13.3.
Variant type: single nucleotide variant.
Coding change: c.1731A>G on transcript NM_003200.5 (MANE Select); coding-DNA position 1731, A replaced by G.
Protein change: p.Gln577=; no amino-acid change (glutamine 577 retained).
Molecular consequence: synonymous variant. On other transcripts: intron variant (2).
Genome position (GRCh38, 1-based): chr19:1,615,376, T>C on the plus strand (A>G on the coding strand, the complement: TCF3 is on the minus strand). VCF-style: chr19-1615376-T-C. GRCh37 (hg19) VCF-style: chr19-1615375-T-C.
Other names: c.1728A>G, p.Gln576= (NM_001351778.2); c.1586+310A>G (NM_001136139.4, NM_001351779.2).
Identifiers: ClinVar variation 719994 (VCV000719994.36), dbSNP rs149166972, ClinGen allele CA9049641.

ClinVar aggregate classification (germline): Likely benign. Review status: criteria provided, multiple submitters, no conflicts (2 of 4 stars). 4 submissions from 4 submitters: Likely benign (4). Last evaluated 2026-02-02.

Allele frequency attached by ClinVar (database versions not stated): gnomAD exomes 0.00075 and 0.00109; gnomAD 0.00135 and 0.00136; ESP Exome Variant Server 0.00138; TOPMed 0.00158; 1000 Genomes Project 0.00240; 1000 Genomes Project 30x 0.00265.
gnomAD v4.1: 1,372 of 1,614,020 alleles (0.085%); highest among the groups gnomAD compares: Middle Eastern, 0.64%; 7 homozygotes.

Submissions (4):

Labcorp Genetics (formerly Invitae), Labcorp
Classification: Likely benign. Last evaluated: 2026-02-02. Review status: criteria provided, single submitter. Criteria: Invitae Variant Classification Sherloc (09022015). Collection method: clinical testing. Allele origin: germline.

Blueprint Genetics
Classification: Likely benign. Last evaluated: 2024-11-08. Review status: criteria provided, single submitter. Criteria: ACMG Guidelines, 2015. Collection method: clinical testing. Allele origin: germline.

CeGaT Center for Human Genetics Tuebingen
Classification: Likely benign. Last evaluated: 2023-04-01. Review status: criteria provided, single submitter. Criteria: CeGaT Center For Human Genetics Tuebingen Variant Classification Criteria Version 2. Collection method: clinical testing. Allele origin: germline. Affected: yes. Observed: 1 variant allele.
Comment: TCF3: BP4, BP7

Breakthrough Genomics
Classification: Likely benign. Review status: criteria provided, single submitter. Criteria: ACMG Guidelines, 2015. Collection method: not provided. Allele origin: germline. Inheritance: Autosomal recessive inheritance. Affected: yes.